The following is an entry in ClinVar:

NM_006231.4(POLE):c.3326T>G (p.Phe1109Cys)

Gene: POLE (DNA polymerase epsilon, catalytic subunit; minus strand). Cytogenetic location: 12q24.33.
Variant type: single nucleotide variant.
Coding change: c.3326T>G on transcript NM_006231.4 (MANE Select); coding-DNA position 3326, T replaced by G.
Protein change: p.Phe1109Cys; replaces phenylalanine 1109 with cysteine.
Molecular consequence: missense variant.
Genome position (GRCh38, 1-based): chr12:132,657,920, A>C on the plus strand (T>G on the coding strand, the complement: POLE is on the minus strand). VCF-style: chr12-132657920-A-C. GRCh37 (hg19) VCF-style: chr12-133234506-A-C.
Other names: short protein forms F1109C.
Identifiers: ClinVar variation 1721292 (VCV001721292.8), dbSNP rs2542008175, ClinGen allele CA387389684.

ClinVar aggregate classification (germline): Uncertain significance. Review status: criteria provided, multiple submitters, no conflicts (2 of 4 stars). 2 submissions from 2 submitters: Uncertain significance (2). Last evaluated 2022-11-12.

Conditions:
Hereditary cancer-predisposing syndrome. Also called: Hereditary neoplastic syndrome; Neoplastic Syndromes, Hereditary; Hereditary Cancer Syndrome; Tumor predisposition. Identifiers: Orphanet 140162, MedGen C0027672, MeSH D009386, MONDO:0015356.

Allele frequency attached by ClinVar (database versions not stated): gnomAD exomes below 0.00001.
gnomAD v4.1: 3 of 1,614,162 alleles (0.00019%); highest among the groups gnomAD compares: Non-Finnish European, 0.00025%; no homozygotes.

Submissions (2):

Labcorp Genetics (formerly Invitae), Labcorp
Classification: Uncertain significance. Last evaluated: 2022-11-12. Review status: criteria provided, single submitter. Criteria: Invitae Variant Classification Sherloc (09022015). Collection method: clinical testing. Allele origin: germline.
Comment: This variant is not present in population databases (gnomAD no frequency). This variant has not been reported in the literature in individuals affected with POLE-related conditions. Advanced modeling of protein sequence and biophysical properties (such as structural, functional, and spatial information, amino acid conservation, physicochemical variation, residue mobility, and thermodynamic stability) performed at Invitae indicates that this missense variant is not expected to disrupt POLE protein function. In summary, the available evidence is currently insufficient to determine the role of this variant in disease. Therefore, it has been classified as a Variant of Uncertain Significance. This sequence change replaces phenylalanine, which is neutral and non-polar, with cysteine, which is neutral and slightly polar, at codon 1109 of the POLE protein (p.Phe1109Cys).

Ambry Genetics
Classification: Uncertain significance for Hereditary cancer-predisposing syndrome. Last evaluated: 2022-05-03. Review status: criteria provided, single submitter. Criteria: Ambry Variant Classification Scheme 2023. Collection method: clinical testing. Allele origin: germline.
Comment: The p.F1109C variant (also known as c.3326T>G), located in coding exon 27 of the POLE gene, results from a T to G substitution at nucleotide position 3326. The phenylalanine at codon 1109 is replaced by cysteine, an amino acid with highly dissimilar properties. This amino acid position is conserved. In addition, this alteration is predicted to be tolerated by in silico analysis. Since supporting evidence is limited at this time, the clinical significance of this alteration remains unclear.